The following is an entry in ClinVar:

NM_003040.4(SLC4A2):c.2184G>A (p.Gly728=)

Gene: SLC4A2 (solute carrier family 4 member 2; plus strand). Cytogenetic location: 7q36.1.
Variant type: single nucleotide variant.
Coding change: c.2184G>A on transcript NM_003040.4 (MANE Select); coding-DNA position 2184, G replaced by A.
Protein change: p.Gly728=; no amino-acid change (glycine 728 retained).
Molecular consequence: synonymous variant.
Genome position (GRCh38, 1-based): chr7:151,071,598, G>A. VCF-style: chr7-151071598-G-A. GRCh37 (hg19) VCF-style: chr7-150768685-G-A.
Other names: c.2184G>A, p.Gly728= (NM_001199692.3); c.2157G>A, p.Gly719= (NM_001199693.1); c.2142G>A, p.Gly714= (NM_001199694.2).
Identifiers: ClinVar variation 4822617 (VCV004822617.4).
Genomic context (GRCh38, chr7:151,071,598, plus strand): 5'-CCTGGCCGCAGTCATCTTCATCTACTTTGCCGCCCTGTCTCCTGCCATCACCTTTGGGGG[G>A]CTGCTGGGTGAGGAGAGCCTTCAGGTAGGGGGCGGCGGGGACTGCCCAGGGCCTGGCCAC-3'
Protein context (NP_003031.3, residues 718-738): AALSPAITFG[Gly728=]LLGEKTQDLI

ClinVar aggregate classification (germline): Likely benign (1 of 4 stars; one submission).

gnomAD v4.1: 212 of 1,613,800 alleles (0.013%); highest among the groups gnomAD compares: Admixed American, 0.34%; no homozygotes.

Submission:

CeGaT Center for Human Genetics Tuebingen
Classification: Likely benign. Last evaluated: 2026-01-01. Review status: criteria provided, single submitter. Criteria: CeGaT Center For Human Genetics Tuebingen Variant Classification Criteria Version 2. Collection method: clinical testing. Allele origin: germline. Affected: yes. Observed: 1 variant allele.
Comment: SLC4A2: BP4, BP7